The following is an entry in ClinVar:

NM_001145809.2(MYH14):c.1631C>T (p.Pro544Leu)

Gene: MYH14 (myosin heavy chain 14; plus strand). Cytogenetic location: 19q13.33.
Variant type: single nucleotide variant.
Coding change: c.1631C>T on transcript NM_001145809.2 (MANE Select); coding-DNA position 1631, C replaced by T.
Protein change: p.Pro544Leu; replaces proline 544 with leucine.
Molecular consequence: missense variant.
Genome position (GRCh38, 1-based): chr19:50,249,798, C>T. VCF-style: chr19-50249798-C-T. GRCh37 (hg19) VCF-style: chr19-50753055-C-T.
Other names: c.1631C>T, p.Pro544Leu (NM_001077186.2); c.1607C>T, p.Pro536Leu (NM_024729.4); short protein forms P536L, P544L.
Identifiers: ClinVar variation 1307875 (VCV001307875.7), dbSNP rs371300947, ClinGen allele CA9592676.

ClinVar aggregate classification (germline): Uncertain significance. Review status: criteria provided, multiple submitters, no conflicts (2 of 4 stars). 4 submissions from 4 submitters: Uncertain significance (4). Last evaluated 2023-12-23.

Conditions:
Autosomal dominant nonsyndromic hearing loss 4A. Also called: Deafness, autosomal dominant 4A. Identifiers: Orphanet 90635, MedGen C1833503, MONDO:0010915, OMIM 600652.
Peripheral neuropathy-myopathy-hoarseness-hearing loss syndrome. Identifiers: Orphanet 397744, MedGen C3280556, MONDO:0013711, OMIM 614369.

Allele frequency attached by ClinVar (database versions not stated): gnomAD exomes below 0.00001; ExAC 0.00001; gnomAD 0.00003; TOPMed 0.00003; ESP Exome Variant Server 0.00008.
gnomAD v4.1: 5 of 1,614,104 alleles (0.00031%); highest among the groups gnomAD compares: Non-Finnish European, 0.00042%; no homozygotes.

Submissions (4):

Labcorp Genetics (formerly Invitae), Labcorp
Classification: Uncertain significance. Last evaluated: 2023-12-23. Review status: criteria provided, single submitter. Criteria: Invitae Variant Classification Sherloc (09022015). Collection method: clinical testing. Allele origin: germline.
Comment: This sequence change replaces proline, which is neutral and non-polar, with leucine, which is neutral and non-polar, at codon 536 of the MYH14 protein (p.Pro536Leu). This variant is present in population databases (rs371300947, gnomAD 0.0009%). This variant has not been reported in the literature in individuals affected with MYH14-related conditions. ClinVar contains an entry for this variant (Variation ID: 1307875). Advanced modeling of protein sequence and biophysical properties (such as structural, functional, and spatial information, amino acid conservation, physicochemical variation, residue mobility, and thermodynamic stability) performed at Invitae indicates that this missense variant is expected to disrupt MYH14 protein function with a positive predictive value of 80%. In summary, the available evidence is currently insufficient to determine the role of this variant in disease. Therefore, it has been classified as a Variant of Uncertain Significance.

Women's Health and Genetics/Laboratory Corporation of America, LabCorp
Classification: Uncertain significance. Last evaluated: 2023-06-08. Review status: criteria provided, single submitter. Criteria: LabCorp Variant Classification Summary - May 2015. Collection method: clinical testing. Allele origin: germline.
Comment: Variant summary: MYH14 c.1607C>T (p.Pro536Leu) results in a non-conservative amino acid change located in the Myosin head, motor domain (IPR001609) of the encoded protein sequence. Five of five in-silico tools predict a damaging effect of the variant on protein function. The variant allele was found at a frequency of 4e-06 in 251392 control chromosomes (gnomAD). The available data on variant occurrences in the general population are insufficient to allow any conclusion about variant significance. To our knowledge, no occurrence of c.1607C>T in individuals affected with Deafness, Autosomal Dominant 4 and no experimental evidence demonstrating its impact on protein function have been reported. Two clinical diagnostic laboratories have submitted clinical-significance assessments for this variant to ClinVar after 2014 and classified the variant as uncertain significance. Based on the evidence outlined above, the variant was classified as uncertain significance.

Fulgent Genetics
Classification: Uncertain significance for Autosomal dominant nonsyndromic hearing loss 4A; Peripheral neuropathy-myopathy-hoarseness-hearing loss syndrome. Last evaluated: 2021-07-22. Review status: criteria provided, single submitter. Criteria: ACMG Guidelines, 2015. Collection method: clinical testing. Allele origin: unknown.

GeneDx
Classification: Uncertain significance. Last evaluated: 2019-08-15. Review status: criteria provided, single submitter. Criteria: GeneDx Variant Classification Process June 2021. Collection method: clinical testing. Allele origin: germline. Affected: yes.
Comment: In silico analysis, which includes protein predictors and evolutionary conservation, supports a deleterious effect; Has not been previously published as pathogenic or benign to our knowledge